The following is an entry in ClinVar:

ClinVar aggregate classification (germline): Uncertain significance. Review status: criteria provided, multiple submitters, no conflicts (2 of 4 stars). 2 submissions from 2 submitters: Uncertain significance (2). Last evaluated 2026-02-04.

Conditions:
DiGeorge syndrome. Also called: THIRD AND FOURTH PHARYNGEAL POUCH SYNDROME; Catch22. Identifiers: Orphanet 567, MedGen C0012236, MONDO:0008564, OMIM 188400.

Submissions (2):

GeneDx
Classification: Uncertain significance. Last evaluated: 2026-02-04. Review status: criteria provided, single submitter. Criteria: GeneDx Variant Classification Process June 2021. Collection method: clinical testing. Allele origin: germline.
Comment: Not observed at significant frequency in large population cohorts (gnomAD); In silico analysis suggests that this missense variant does not alter protein structure/function; Has not been previously published as pathogenic or benign to our knowledge

Labcorp Genetics (formerly Invitae), Labcorp
Classification: Uncertain significance for DiGeorge syndrome. Last evaluated: 2025-08-12. Review status: criteria provided, single submitter. Criteria: Invitae Variant Classification Sherloc (09022015). Collection method: clinical testing. Allele origin: germline.
Comment: This sequence change replaces arginine, which is basic and polar, with cysteine, which is neutral and slightly polar, at codon 49 of the TBX1 protein (p.Arg49Cys). The frequency data for this variant in the population databases is considered unreliable, as metrics indicate insufficient coverage at this position in the gnomAD database. This variant has not been reported in the literature in individuals affected with TBX1-related conditions. Invitae Evidence Modeling of protein sequence and biophysical properties (such as structural, functional, and spatial information, amino acid conservation, physicochemical variation, residue mobility, and thermodynamic stability) indicates that this missense variant is not expected to disrupt TBX1 protein function with a negative predictive value of 80%. In summary, the available evidence is currently insufficient to determine the role of this variant in disease. Therefore, it has been classified as a Variant of Uncertain Significance.

NM_001379200.1(TBX1):c.172C>T (p.Arg58Cys)

Gene: TBX1 (T-box transcription factor 1; plus strand). Cytogenetic location: 22q11.21.
Variant type: single nucleotide variant.
Coding change: c.172C>T on transcript NM_001379200.1 (MANE Select); coding-DNA position 172, C replaced by T.
Protein change: p.Arg58Cys; replaces arginine 58 with cysteine.
Molecular consequence: missense variant.
Genome position (GRCh38, 1-based): chr22:19,761,015, C>T. VCF-style: chr22-19761015-C-T. GRCh37 (hg19) VCF-style: chr22-19748538-C-T.
Other names: c.145C>T, p.Arg49Cys (NM_005992.1, NM_080646.2, NM_080647.1); short protein forms R49C, R58C.
Identifiers: ClinVar variation 4705977 (VCV004705977.2).